The following is an entry in ClinVar:

NM_002160.4(TNC):c.5731C>T (p.Arg1911Trp)

Gene: TNC (tenascin C; minus strand). Cytogenetic location: 9q33.1.
Variant type: single nucleotide variant.
Coding change: c.5731C>T on transcript NM_002160.4 (MANE Select); coding-DNA position 5731, C replaced by T.
Protein change: p.Arg1911Trp; replaces arginine 1911 with tryptophan.
Molecular consequence: missense variant.
Genome position (GRCh38, 1-based): chr9:115,035,260, G>A on the plus strand (C>T on the coding strand, the complement: TNC is on the minus strand). VCF-style: chr9-115035260-G-A. GRCh37 (hg19) VCF-style: chr9-117797539-G-A.
Other names: c.5185C>T, p.Arg1729Trp (NM_001410991.1); short protein forms R1729W, R1911W.
Identifiers: ClinVar variation 3043582 (VCV003043582.5), dbSNP rs148674204, ClinGen allele CA5207549.

ClinVar aggregate classification (germline): Conflicting classifications of pathogenicity. Review status: criteria provided, conflicting classifications (1 of 4 stars). 3 submissions from 3 submitters: Uncertain significance (1); Likely benign (1). 1 of the submissions does not count toward it. Last evaluated 2024-10-24.

Conditions:
TNC-related disorder. Also called: TNC-related condition.

Allele frequency attached by ClinVar (database versions not stated): 1000 Genomes Project 30x 0.00016; ESP Exome Variant Server 0.00046.
gnomAD v4.1: 840 of 1,609,108 alleles (0.052%); highest among the groups gnomAD compares: Non-Finnish European, 0.066%; no homozygotes.

Submissions (3):

Blueprint Genetics
Classification: Likely benign. Last evaluated: 2024-10-24. Review status: criteria provided, single submitter. Criteria: ACMG Guidelines, 2015. Collection method: clinical testing. Allele origin: germline.

Ambry Genetics
Classification: Uncertain significance. Last evaluated: 2024-10-03. Review status: criteria provided, single submitter. Criteria: Ambry Variant Classification Scheme 2023. Collection method: clinical testing. Allele origin: germline.

PreventionGenetics, part of Exact Sciences
Classification: Likely benign for TNC-related condition. Last evaluated: 2023-09-25. Review status: no assertion criteria provided. Collection method: clinical testing. Allele origin: germline. Not counted in ClinVar's aggregate classification.
Comment: This variant is classified as likely benign based on ACMG/AMP sequence variant interpretation guidelines (Richards et al. 2015 PMID: 25741868, with internal and published modifications).